The following is an entry in ClinVar:

NM_002936.6(RNASEH1):c.323A>G (p.His108Arg)

Gene: RNASEH1 (ribonuclease H1; minus strand). Cytogenetic location: 2p25.3.
Variant type: single nucleotide variant.
Coding change: c.323A>G on transcript NM_002936.6 (MANE Select); coding-DNA position 323, A replaced by G.
Protein change: p.His108Arg; replaces histidine 108 with arginine.
Molecular consequence: missense variant. On other transcripts: 5 prime UTR variant (1), non-coding transcript variant (7).
Genome position (GRCh38, 1-based): chr2:3,552,230, T>C on the plus strand (A>G on the coding strand, the complement: RNASEH1 is on the minus strand). VCF-style: chr2-3552230-T-C. GRCh37 (hg19) VCF-style: chr2-3599820-T-C.
Other names: c.245A>G, p.His82Arg (NM_001286834.3); c.-29A>G (NM_001286837.3); c.323A>G, p.His108Arg (NM_001378271.1, NM_001378272.1, NM_001378273.1); short protein forms H108R, H82R.
Identifiers: ClinVar variation 1310404 (VCV001310404.5), dbSNP rs201525462, ClinGen allele CA1516323.
Genomic context (GRCh38, chr2:3,552,230, plus strand): 5'-ACTGGAGGCGCCGGCTCCACGCTCGGCTTCATGTGCTTTGCATACGGCTCTGCGCTTTCA[T>C]GTCCATCTCCATCCAGTGGCTCACGGAGTCGCTTGCTGGCTTTCGCCTCCGATTCTTGTC-3'
Protein context (NP_002927.2, residues 98-118): RLREPLDGDG[His108Arg]ESAEPYAKHM

ClinVar aggregate classification (germline): Uncertain significance. Review status: criteria provided, multiple submitters, no conflicts (2 of 4 stars). 2 submissions from 2 submitters: Uncertain significance (2). Last evaluated 2024-11-11.

Allele frequency attached by ClinVar (database versions not stated): TOPMed 0.00006; gnomAD 0.00008 and 0.00009; 1000 Genomes Project 30x 0.00016; 1000 Genomes Project 0.00020.
gnomAD v4.1: 49 of 1,613,850 alleles (0.003%); highest among the groups gnomAD compares: African/African-American, 0.017%; no homozygotes.

Submissions (2):

Labcorp Genetics (formerly Invitae), Labcorp
Classification: Uncertain significance. Last evaluated: 2024-11-11. Review status: criteria provided, single submitter. Criteria: Invitae Variant Classification Sherloc (09022015). Collection method: clinical testing. Allele origin: germline.
Comment: This sequence change replaces histidine, which is basic and polar, with arginine, which is basic and polar, at codon 108 of the RNASEH1 protein (p.His108Arg). This variant is present in population databases (rs201525462, gnomAD 0.01%). This variant has not been reported in the literature in individuals affected with RNASEH1-related conditions. ClinVar contains an entry for this variant (Variation ID: 1310404). An algorithm developed to predict the effect of missense changes on protein structure and function (PolyPhen-2) suggests that this variant¬†is likely to be tolerated. In summary, the available evidence is currently insufficient to determine the role of this variant in disease. Therefore, it has been classified as a Variant of Uncertain Significance.

GeneDx
Classification: Uncertain significance. Last evaluated: 2019-12-18. Review status: criteria provided, single submitter. Criteria: GeneDx Variant Classification Process June 2021. Collection method: clinical testing. Allele origin: germline. Affected: yes.
Comment: Has not been previously published as pathogenic or benign to our knowledge; Not observed at a significant frequency in large population cohorts (Lek et al., 2016); In silico analysis, which includes protein predictors and evolutionary conservation, supports that this variant does not alter protein structure/function